The following is an entry in ClinVar:

ClinVar aggregate classification (germline): Conflicting classifications of pathogenicity. Review status: criteria provided, conflicting classifications (1 of 4 stars). 9 submissions from 9 submitters: Pathogenic (1); Uncertain significance (7); Likely benign (1). Last evaluated 2025-10-03.

Conditions:
SLC34A3-related disorder. Also called: SLC34A3-related condition.
Autosomal recessive hypophosphatemic bone disease (HHRH). Also called: HYPERCALCIURIC RICKETS; Hypophosphatemic rickets with hypercalciuria. Identifiers: Orphanet 157215, MedGen C1853271, MONDO:0009431, OMIM 241530.

Allele frequency attached by ClinVar (database versions not stated): 1000 Genomes Project 30x 0.00031; 1000 Genomes Project 0.00040; ESP Exome Variant Server 0.00046; gnomAD 0.00049 and 0.00052; gnomAD exomes 0.00051 and 0.00055; ExAC 0.00064; TOPMed 0.00065.

Submissions (9):

Rare Kidney Stone Consortium and the Mayo Clinic Hyperoxaluria Center, Mayo Clinic
Classification: Pathogenic for Autosomal recessive hypophosphatemic bone disease. Last evaluated: 2025-10-03. Review status: criteria provided, single submitter. Criteria: ACMG Guidelines, 2015. Collection method: research. Allele origin: germline. Affected: yes. Observed: 3 variant alleles.

GeneDx
Classification: Uncertain significance. Last evaluated: 2025-07-24. Review status: criteria provided, single submitter. Criteria: GeneDx Variant Classification Process June 2021. Collection method: clinical testing. Allele origin: germline. Affected: yes.
Comment: Reported with additional variants on the opposite allele (in trans) in a patient with renal stones in published literature (PMID: 34805638); Published functional studies suggest a damaging effect as p.(R485C) abolishes phosphate uptake and acts as a loss of function variant (PMID: 36596813); In silico analysis supports that this missense variant has a deleterious effect on protein structure/function; This variant is associated with the following publications: (PMID: 34805638, 36596813)

PreventionGenetics, part of Exact Sciences
Classification: Uncertain significance for SLC34A3-related condition. Last evaluated: 2025-01-15. Review status: criteria provided, single submitter. Criteria: ACMG Guidelines, 2015. Collection method: clinical testing. Allele origin: germline.
Comment: The SLC34A3 c.1453C>T variant is predicted to result in the amino acid substitution p.Arg485Cys. This variant was reported with two other SLC34A3 missense variants in an individual with urinary stone disease (Cogal et al 2021. PubMed ID: 34805638) and was reported in the heterozygous state in two additional patients with recurrent nephrolithiasis and low serum phosphate (Patient 16 and 17 in Brazier et al. 2023. PubMed ID: 36596813). Functional studies in HEK293 cells indicated this variant resulted in less than 30% phosphate intake in comparison to the wild type protein (Brazier et al. 2023. PubMed ID: 36596813). This variant is reported in 0.17% of alleles in individuals of South Asian descent in gnomAD. At this time, the clinical significance of this variant is uncertain due to the absence of conclusive functional and genetic evidence.

Blueprint Genetics
Classification: Uncertain significance. Last evaluated: 2024-11-05. Review status: criteria provided, single submitter. Criteria: ACMG Guidelines, 2015. Collection method: clinical testing. Allele origin: germline.

Fulgent Genetics
Classification: Uncertain significance for Autosomal recessive hypophosphatemic bone disease. Last evaluated: 2024-05-07. Review status: criteria provided, single submitter. Criteria: ACMG Guidelines, 2015. Collection method: clinical testing. Allele origin: germline.

Women's Health and Genetics/Laboratory Corporation of America, LabCorp
Classification: Uncertain significance. Last evaluated: 2024-05-02. Review status: criteria provided, single submitter. Criteria: LabCorp Variant Classification Summary - May 2015. Collection method: clinical testing. Allele origin: germline.
Comment: Variant summary: SLC34A3 c.1453C>T (p.Arg485Cys) results in a non-conservative amino acid change in the encoded protein sequence. Four of five in-silico tools predict a damaging effect of the variant on protein function. The variant allele was found at a frequency of 0.00055 in 246106 control chromosomes (gnomAD). This frequency is not significantly higher than estimated for a pathogenic variant in SLC34A3 causing Hereditary Hypophosphatemic Rickets With Hypercalciuria (0.00055 vs 0.0018), allowing no conclusion about variant significance. c.1453C>T has been reported in the literature in individuals affected with urinary stone disease or recurrent nephrolithiasis and low serum phosphate concentration (Cogal_2021, Brazier_2023). These reports do not provide unequivocal conclusions about association of the variant with Hereditary Hypophosphatemic Rickets With Hypercalciuria. At least one publication reports experimental evidence evaluating an impact on protein function, finding that the variant results in <30% of normal phosphate uptake activity (Brazier_2023). The following publications have been ascertained in the context of this evaluation (PMID: 34805638, 36596813). ClinVar contains an entry for this variant (Variation ID: 860969). Based on the evidence outlined above, the variant was classified as VUS-possibly pathogenic.

ARUP Laboratories, Molecular Genetics and Genomics, ARUP Laboratories
Classification: Likely benign for Autosomal recessive hypophosphatemic bone disease. Last evaluated: 2023-03-03. Review status: criteria provided, single submitter. Criteria: ARUP Molecular Germline Variant Investigation Process 2024. Collection method: clinical testing. Allele origin: germline.

Labcorp Genetics (formerly Invitae), Labcorp
Classification: Uncertain significance. Last evaluated: 2022-08-05. Review status: criteria provided, single submitter. Criteria: Invitae Variant Classification Sherloc (09022015). Collection method: clinical testing. Allele origin: germline.
Comment: This sequence change replaces arginine, which is basic and polar, with cysteine, which is neutral and slightly polar, at codon 485 of the SLC34A3 protein (p.Arg485Cys). This variant is present in population databases (rs145029982, gnomAD 0.2%), and has an allele count higher than expected for a pathogenic variant. This variant has not been reported in the literature in individuals affected with SLC34A3-related conditions. ClinVar contains an entry for this variant (Variation ID: 860969). Algorithms developed to predict the effect of missense changes on protein structure and function (SIFT, PolyPhen-2, Align-GVGD) all suggest that this variant is likely to be disruptive. In summary, the available evidence is currently insufficient to determine the role of this variant in disease. Therefore, it has been classified as a Variant of Uncertain Significance.

Genomic Research Center, Shahid Beheshti University of Medical Sciences
Classification: Uncertain significance for Autosomal recessive hypophosphatemic bone disease. Last evaluated: 2020-05-03. Review status: criteria provided, single submitter. Criteria: ACMG Guidelines, 2015. Collection method: clinical testing. Allele origin: unknown. Affected: yes.

Literature cited by the submitters: PubMed 40794449 (cited by Rare Kidney Stone Consortium and the Mayo Clinic Hyperoxaluria Center, Mayo Clinic); PubMed 34805638 (cited by Women's Health and Genetics/Laboratory Corporation of America, LabCorp); PubMed 36596813 (cited by Women's Health and Genetics/Laboratory Corporation of America, LabCorp).

NM_001177316.2(SLC34A3):c.1453C>T (p.Arg485Cys)

Gene: SLC34A3 (solute carrier family 34 member 3; plus strand). Cytogenetic location: 9q34.3.
Variant type: single nucleotide variant.
Coding change: c.1453C>T on transcript NM_001177316.2 (MANE Select); coding-DNA position 1453, C replaced by T.
Protein change: p.Arg485Cys; replaces arginine 485 with cysteine.
Molecular consequence: missense variant.
Genome position (GRCh38, 1-based): chr9:137,236,069, C>T. VCF-style: chr9-137236069-C-T. GRCh37 (hg19) VCF-style: chr9-140130521-C-T.
Other names: c.1453C>T, p.Arg485Cys (NM_001177317.2, NM_080877.3); short protein forms R485C.
Identifiers: ClinVar variation 860969 (VCV000860969.18), dbSNP rs145029982, ClinGen allele CA5364954.